The following is an entry in ClinVar:

ClinVar aggregate classification (germline): Uncertain significance. Review status: criteria provided, multiple submitters, no conflicts (2 of 4 stars). 5 submissions from 5 submitters: Uncertain significance (5). Last evaluated 2025-07-01.

Conditions:
Inborn genetic diseases. Identifiers: MedGen C0950123, MeSH D030342.
Wrinkly skin syndrome (WSS). Also called: Type of Gerodermia osteodysplastica. Identifiers: Orphanet 2834, MedGen C0406587, MONDO:0010208, OMIM 278250.
Cutis laxa with osteodystrophy (ARCL2A). Also called: CUTIS LAXA, AUTOSOMAL RECESSIVE, TYPE IIA; Autosomal recessive cutis laxa type 2A; Debré-Type Cutis Laxa; CUTIS LAXA WITH CONGENITAL DISORDER OF GLYCOSYLATION; CUTIS LAXA WITH BONE DYSTROPHY; CUTIS LAXA WITH GROWTH AND DEVELOPMENTAL DELAY. Identifiers: Orphanet 357058, MedGen C0268355, MONDO:0018163, OMIM 219200. Disease mechanism: loss of function.
ALG9 congenital disorder of glycosylation (CDG1L). Also called: CONGENITAL DISORDER OF GLYCOSYLATION, TYPE Il; CDG Il; ALG9-CDG. Identifiers: Orphanet 79328, MedGen C2931006, MONDO:0012117, OMIM 608776.

Allele frequency attached by ClinVar (database versions not stated): gnomAD 0.00003 and 0.00004; gnomAD exomes 0.00003 and 0.00001; TOPMed 0.00003; ExAC 0.00004.
gnomAD v4.1: 56 of 1,600,870 alleles (0.0035%); highest among the groups gnomAD compares: Non-Finnish European, 0.0043%; no homozygotes.

Submissions (5):

CeGaT Center for Human Genetics Tuebingen
Classification: Uncertain significance. Last evaluated: 2025-07-01. Review status: criteria provided, single submitter. Criteria: CeGaT Center For Human Genetics Tuebingen Variant Classification Criteria Version 2. Collection method: clinical testing. Allele origin: germline. Affected: yes. Observed: 2 variant alleles.

Labcorp Genetics (formerly Invitae), Labcorp
Classification: Uncertain significance for ALG9 congenital disorder of glycosylation. Last evaluated: 2024-12-03. Review status: criteria provided, single submitter. Criteria: Invitae Variant Classification Sherloc (09022015). Collection method: clinical testing. Allele origin: germline.
Comment: This sequence change replaces threonine, which is neutral and polar, with isoleucine, which is neutral and non-polar, at codon 9 of the ATP6V0A2 protein (p.Thr9Ile). The frequency data for this variant in the population databases is considered unreliable, as metrics indicate poor data quality at this position in the gnomAD database. This variant has not been reported in the literature in individuals affected with ATP6V0A2-related conditions. ClinVar contains an entry for this variant (Variation ID: 425021). Invitae Evidence Modeling of protein sequence and biophysical properties (such as structural, functional, and spatial information, amino acid conservation, physicochemical variation, residue mobility, and thermodynamic stability) indicates that this missense variant is expected to disrupt ATP6V0A2 protein function with a positive predictive value of 80%. In summary, the available evidence is currently insufficient to determine the role of this variant in disease. Therefore, it has been classified as a Variant of Uncertain Significance.

Fulgent Genetics
Classification: Uncertain significance for Cutis laxa with osteodystrophy; Wrinkly skin syndrome. Last evaluated: 2024-05-09. Review status: criteria provided, single submitter. Criteria: ACMG Guidelines, 2015. Collection method: clinical testing. Allele origin: germline.

Ambry Genetics
Classification: Uncertain significance for Inborn genetic diseases. Last evaluated: 2022-12-21. Review status: criteria provided, single submitter. Criteria: Ambry Variant Classification Scheme 2023. Collection method: clinical testing. Allele origin: germline.

Illumina Laboratory Services, Illumina
Classification: Uncertain significance for Cutis laxa with osteodystrophy. Last evaluated: 2018-01-13. Review status: criteria provided, single submitter. Criteria: ICSL Variant Classification Criteria 13 December 2019. Collection method: clinical testing. Allele origin: germline.

NM_012463.4(ATP6V0A2):c.26C>T (p.Thr9Ile)

Genes: ATP6V0A2 (ATPase H+ transporting V0 subunit a2; plus strand), LOC130009117 (ATAC-STARR-seq lymphoblastoid silent region 5049; plus strand). Cytogenetic location: 12q24.31.
Variant type: single nucleotide variant.
Coding change: c.26C>T on transcript NM_012463.4 (MANE Select); coding-DNA position 26, C replaced by T.
Protein change: p.Thr9Ile; replaces threonine 9 with isoleucine.
Molecular consequence: missense variant.
Genome position (GRCh38, 1-based): chr12:123,712,591, C>T. VCF-style: chr12-123712591-C-T. GRCh37 (hg19) VCF-style: chr12-124197138-C-T.
Other names: short protein forms T9I.
Identifiers: ClinVar variation 425021 (VCV000425021.51), dbSNP rs752689489, ClinGen allele CA6861455.